The following is an entry in ClinVar:

NM_025114.4(CEP290):c.4121del (p.Tyr1374fs)

Gene: CEP290 (centrosomal protein 290; minus strand). Cytogenetic location: 12q21.32.
Variant type: Deletion.
Coding change: c.4121del on transcript NM_025114.4 (MANE Select); coding-DNA position 4121, one base deleted (A; older notation c.4121delA).
Protein change: p.Tyr1374fs; shifts the reading frame from tyrosine 1374.
Molecular consequence: frameshift variant.
Genome position (GRCh38, 1-based): chr12:88,087,853, T deleted on the plus strand (A on the coding strand, the reverse complement: CEP290 is on the minus strand). VCF-style (leftmost placement, unchanged base first): chr12-88087852-AT-A. GRCh37 (hg19) VCF-style: chr12-88481629-AT-A.
Other names: short protein forms Y1374fs.
Identifiers: ClinVar variation 2949017 (VCV002949017.3), dbSNP rs2500060504, ClinGen allele CA2740092480.

ClinVar aggregate classification (germline): Pathogenic (1 of 4 stars; one submission).

Conditions:
Joubert syndrome. Also called: CEREBELLOPARENCHYMAL DISORDER IV; JOUBERT-BOLTSHAUSER SYNDROME; Familial aplasia of the vermis. Identifiers: Orphanet 475, MedGen C5979921, MONDO:0018772.
Nephronophthisis. Also called: Juvenile Nephronophthisis. Identifiers: Orphanet 655, MedGen C0687120, MONDO:0019005, HP:0000090.
Meckel-Gruber syndrome. Also called: DYSENCEPHALIA SPLANCHNOCYSTICA; GRUBER SYNDROME; Dysencephalia splachnocystica. Identifiers: Orphanet 564, MedGen C0265215, MONDO:0018921.

Submission:

Labcorp Genetics (formerly Invitae), Labcorp
Classification: Pathogenic for Joubert syndrome; Meckel-Gruber syndrome; Nephronophthisis. Last evaluated: 2023-06-19. Review status: criteria provided, single submitter. Criteria: Invitae Variant Classification Sherloc (09022015). Collection method: clinical testing. Allele origin: germline.
Comment: This sequence change creates a premature translational stop signal (p.Tyr1374Phefs*2) in the CEP290 gene. It is expected to result in an absent or disrupted protein product. Loss-of-function variants in CEP290 are known to be pathogenic (PMID: 16909394, 17345604, 20690115). For these reasons, this variant has been classified as Pathogenic. This variant has not been reported in the literature in individuals affected with CEP290-related conditions. This variant is not present in population databases (gnomAD no frequency).

Literature cited by the submitters: PubMed 16909394; PubMed 17345604; PubMed 20690115.